The following is an entry in ClinVar:

ClinVar aggregate classification (germline): Likely benign (0 of 4 stars; one submission).

Conditions:
ADCY3-related disorder. Also called: ADCY3-related condition.

Allele frequency attached by ClinVar (database versions not stated): gnomAD 0.00001; ExAC 0.00002; gnomAD exomes 0.00004.
gnomAD v4.1: 55 of 1,613,882 alleles (0.0034%); highest among the groups gnomAD compares: South Asian, 0.0077%; no homozygotes.

Submission:

PreventionGenetics, part of Exact Sciences
Classification: Likely benign for ADCY3-related condition. Last evaluated: 2019-11-19. Review status: no assertion criteria provided. Collection method: clinical testing. Allele origin: germline.
Comment: This variant is classified as likely benign based on ACMG/AMP sequence variant interpretation guidelines (Richards et al. 2015 PMID: 25741868, with internal and published modifications).

NM_004036.5(ADCY3):c.3015C>T (p.Ser1005=)

Genes: ADCY3 (adenylate cyclase 3; minus strand), CENPO (centromere protein O; plus strand). Cytogenetic location: 2p23.3.
Variant type: single nucleotide variant.
Coding change: c.3015C>T on transcript NM_004036.5 (MANE Select); coding-DNA position 3015, C replaced by T.
Protein change: p.Ser1005=; no amino-acid change (serine 1005 retained).
Molecular consequence: synonymous variant. On other transcripts: 3 prime UTR variant (3), non-coding transcript variant (3).
Genome position (GRCh38, 1-based): chr2:24,821,629, G>A on the plus strand (C>T on the coding strand, the complement: ADCY3 is on the minus strand). VCF-style: chr2-24821629-G-A. GRCh37 (hg19) VCF-style: chr2-25044498-G-A.
Other names: c.3018C>T, p.Ser1006= (NM_001320613.2); c.3081C>T, p.Ser1027= (NM_001377128.1); c.2877C>T, p.Ser959= (NM_001377129.1); c.2463C>T, p.Ser821= (NM_001377130.1); c.2292C>T, p.Ser764= (NM_001377131.1); c.3015C>T, p.Ser1005= (NM_001377132.1); c.*2311G>A (NM_001199803.3, NM_001322101.2, NM_024322.4).
Identifiers: ClinVar variation 3048673 (VCV003048673.2), dbSNP rs755247497, ClinGen allele CA1553536.